The following is an entry in ClinVar:

NM_152618.3(BBS12):c.1830A>G (p.Ser610=)

Gene: BBS12 (Bardet-Biedl syndrome 12; plus strand). Cytogenetic location: 4q27.
Variant type: single nucleotide variant.
Coding change: c.1830A>G on transcript NM_152618.3 (MANE Select); coding-DNA position 1830, A replaced by G.
Protein change: p.Ser610=; no amino-acid change (serine 610 retained).
Molecular consequence: synonymous variant.
Genome position (GRCh38, 1-based): chr4:122,743,722, A>G. VCF-style: chr4-122743722-A-G. GRCh37 (hg19) VCF-style: chr4-123664877-A-G.
Other names: c.1830A>G (NM_152618.2); c.1830A>G, p.Ser610= (NM_001178007.2).
Identifiers: ClinVar variation 1672245 (VCV001672245.9), dbSNP rs528535207, ClinGen allele CA3069514.
Genomic context (GRCh38, chr4:122,743,722, plus strand): 5'-CCTGGCAAATGGATGGCAGAAATACCTTTCAACTCTCCTATATAACACTGCCAATTACTC[A>G]TCAGAATTTGAAGCCAGCACATACATTCAACATCATCTGCAAAATGCCACAGACTCTGGC-3'
Protein context (NP_689831.2, residues 600-620): STLLYNTANY[Ser610=]SEFEASTYIQ

ClinVar aggregate classification (germline): Likely benign. Review status: criteria provided, multiple submitters, no conflicts (2 of 4 stars). 2 submissions from 2 submitters: Likely benign (2). Last evaluated 2026-08-05.

Conditions:
BBS12-related disorder. Also called: BBS12-related condition.
Bardet-Biedl syndrome (BBS). Identifiers: Orphanet 110, MedGen C0752166, MONDO:0015229.

Allele frequency attached by ClinVar (database versions not stated): gnomAD exomes 0.00001; ExAC 0.00002; gnomAD 0.00002 and 0.00003; TOPMed 0.00002; 1000 Genomes Project 30x 0.00016; 1000 Genomes Project 0.00020.
gnomAD v4.1: 11 of 1,614,210 alleles (0.00068%); highest among the groups gnomAD compares: African/African-American, 0.0027%; 1 homozygote.

Submissions (2):

PreventionGenetics, part of Exact Sciences
Classification: Likely benign for BBS12-related condition. Last evaluated: 2026-08-05. Review status: criteria provided, single submitter. Criteria: ACMG Guidelines, 2015. Collection method: clinical testing. Allele origin: germline.
Comment: This variant is classified as likely benign based on ACMG/AMP sequence variant interpretation guidelines (Richards et al. 2015 PMID: 25741868, with internal and published modifications).

Labcorp Genetics (formerly Invitae), Labcorp
Classification: Likely benign for Bardet-Biedl syndrome. Last evaluated: 2023-01-23. Review status: criteria provided, single submitter. Criteria: Invitae Variant Classification Sherloc (09022015). Collection method: clinical testing. Allele origin: germline.